The following is an entry in ClinVar:

ClinVar aggregate classification (germline): Uncertain significance. Review status: criteria provided, single submitter (1 of 4 stars). 2 submissions from 2 submitters: Uncertain significance (1). 1 of the submissions does not count toward it. Last evaluated 2016-04-12.

Conditions:
Autosomal recessive nonsyndromic hearing loss 18B. Also called: Deafness, autosomal recessive 18b. Identifiers: Orphanet 90636, MedGen C3554163, MONDO:0013985, OMIM 614945.

Allele frequency attached by ClinVar (database versions not stated): gnomAD exomes 0.00002 and 0.00004; TOPMed 0.00004; gnomAD 0.00005; ExAC 0.00012.
gnomAD v4.1: 39 of 1,550,880 alleles (0.0025%); highest among the groups gnomAD compares: African/African-American, 0.015%; no homozygotes.

Submissions (2):

Laboratory for Molecular Medicine, Mass General Brigham Personalized Medicine
Classification: Uncertain significance. Last evaluated: 2016-04-12. Review status: criteria provided, single submitter. Criteria: LMM Criteria. Collection method: clinical testing. Allele origin: germline. Observed: 1 variant allele.
Comment: The p.Arg2335Trp variant in OTOG has not been previously reported in individuals with hearing loss, but has been identified in 2/7658 of South Asian chromosomes by the Exome Aggregation Consortium (ExAC; dbSN P rs755149839). Although this variant has been seen in the general population, i ts frequency is not high enough to rule out a pathogenic role. Computational pre diction tools and conservation analyses do not provide strong support for or aga inst an impact to the protein. In summary, the clinical significance of the p.Ar g2335Trp variant is uncertain.

Division of Human Genetics, Children's Hospital of Philadelphia
Classification: Uncertain significance for autosomal recessive deafness 18B. Last evaluated: 2015-02-03. Review status: no assertion criteria provided. Collection method: research. Allele origin: germline. Affected: yes. Study: CSER-PediSeq. Not counted in ClinVar's aggregate classification.
Comment: This variant (NM_001277269.1:c.7003C>T;p.R2335W) is considered a variant of uncertain significance, as it has not been reported in the literature; however, it was seen in 2 alleles out of 17,984 alleles in ExAC with no homozygotes. It occurs in a highly conserved amino acid position and does not occur in a functional domain.

NM_001292063.2(OTOG):c.6967C>T (p.Arg2323Trp)

Gene: OTOG (otogelin; plus strand). Cytogenetic location: 11p15.1.
Variant type: single nucleotide variant.
Coding change: c.6967C>T on transcript NM_001292063.2 (MANE Select); coding-DNA position 6967, C replaced by T.
Protein change: p.Arg2323Trp; replaces arginine 2323 with tryptophan.
Molecular consequence: missense variant.
Genome position (GRCh38, 1-based): chr11:17,632,121, C>T. VCF-style: chr11-17632121-C-T. GRCh37 (hg19) VCF-style: chr11-17653668-C-T.
Other names: c.7003C>T, p.Arg2335Trp (NM_001277269.2); short protein forms R2335W, R2323W.
Identifiers: ClinVar variation 203388 (VCV000203388.5), dbSNP rs755149839, ClinGen allele CA203887.
Genomic context (GRCh38, chr11:17,632,121, plus strand): 5'-CCAGCACTGCCTGATGCATATGTCCAGGTGCCTCCGGAGTCATTCTGTGAGCTGTGGATC[C>T]GGGACACCAAGTACGTGCAGCAGCCCTGCGTGGCCCTGACTGTGTACGTGGCCATGTGCC-3'
Protein context (NP_001278992.1, residues 2313-2333): PPESFCELWI[Arg2323Trp]DTKYVQQPCV